The following is an entry in ClinVar:

NM_015488.5(PNKD):c.958C>T (p.Arg320Trp)

Genes: CATIP-AS2 (CATIP antisense RNA 2; minus strand), PNKD (PNKD metallo-beta-lactamase domain containing; plus strand). Cytogenetic location: 2q35.
Variant type: single nucleotide variant.
Coding change: c.958C>T on transcript NM_015488.5 (MANE Select); coding-DNA position 958, C replaced by T.
Protein change: p.Arg320Trp; replaces arginine 320 with tryptophan.
Molecular consequence: missense variant.
Genome position (GRCh38, 1-based): chr2:218,344,544, C>T. VCF-style: chr2-218344544-C-T. GRCh37 (hg19) VCF-style: chr2-219209267-C-T.
Other names: c.886C>T, p.Arg296Trp (NM_022572.5); short protein forms R296W, R320W.
Identifiers: ClinVar variation 848089 (VCV000848089.10), dbSNP rs1009710207, ClinGen allele CA65761627.
Genomic context (GRCh38, chr2:218,344,544, plus strand): 5'-TTTGCAGGTGTGGTGGAGCCCGAGAACCTGGCCCGGGAGAGGAAGATGCAGTGGGTGCAG[C>T]GGCAGCGGCTGGAGCGCAAGGGCACGGTGAGGGACTCGGGGTCCAGGAGGAGCTGTGTGG-3'
Protein context (NP_056303.3, residues 310-330): ARERKMQWVQ[Arg320Trp]QRLERKGTCP

ClinVar aggregate classification (germline): Uncertain significance. Review status: criteria provided, multiple submitters, no conflicts (2 of 4 stars). 2 submissions from 2 submitters: Uncertain significance (2). Last evaluated 2023-06-28.

Conditions:
Paroxysmal nonkinesigenic dyskinesia. Also called: Paroxysmal non-kinesigenic dyskinesia. Identifiers: Orphanet 98810, MedGen C1869117, MONDO:0700088.
PNKD-related disorder. Also called: PNKD-related condition.

Allele frequency attached by ClinVar (database versions not stated): gnomAD exomes 0.00001; TOPMed 0.00002.
gnomAD v4.1: 13 of 1,589,556 alleles (0.00082%); highest among the groups gnomAD compares: Non-Finnish European, 0.001%; no homozygotes.

Submissions (2):

PreventionGenetics, part of Exact Sciences
Classification: Uncertain significance for PNKD-related condition. Last evaluated: 2023-06-28. Review status: criteria provided, single submitter. Criteria: ACMG Guidelines, 2015. Collection method: clinical testing. Allele origin: germline.
Comment: The PNKD c.958C>T variant is predicted to result in the amino acid substitution p.Arg320Trp. To our knowledge, this variant has not been reported in the literature. This variant is reported in 0.0053% of alleles in individuals of European (Finnish) descent in gnomAD. At this time, the clinical significance of this variant is uncertain due to the absence of conclusive functional and genetic evidence.

Labcorp Genetics (formerly Invitae), Labcorp
Classification: Uncertain significance for Paroxysmal nonkinesigenic dyskinesia. Last evaluated: 2022-02-17. Review status: criteria provided, single submitter. Criteria: Invitae Variant Classification Sherloc (09022015). Collection method: clinical testing. Allele origin: germline.
Comment: In summary, the available evidence is currently insufficient to determine the role of this variant in disease. Therefore, it has been classified as a Variant of Uncertain Significance. Algorithms developed to predict the effect of missense changes on protein structure and function are either unavailable or do not agree on the potential impact of this missense change (SIFT: "Deleterious"; PolyPhen-2: "Possibly Damaging"; Align-GVGD: "Class C0"). ClinVar contains an entry for this variant (Variation ID: 848089). This variant has not been reported in the literature in individuals affected with PNKD-related conditions. The frequency data for this variant in the population databases is considered unreliable, as metrics indicate poor data quality at this position in the gnomAD database. This sequence change replaces arginine, which is basic and polar, with tryptophan, which is neutral and slightly polar, at codon 320 of the PNKD protein (p.Arg320Trp).